The following is an entry in ClinVar:

NM_015041.3(CLUAP1):c.836T>C (p.Met279Thr)

Gene: CLUAP1 (clusterin associated protein 1; plus strand). Cytogenetic location: 16p13.3.
Variant type: single nucleotide variant.
Coding change: c.836T>C on transcript NM_015041.3 (MANE Select); coding-DNA position 836, T replaced by C.
Protein change: p.Met279Thr; replaces methionine 279 with threonine.
Molecular consequence: missense variant.
Genome position (GRCh38, 1-based): chr16:3,523,280, T>C. VCF-style: chr16-3523280-T-C. GRCh37 (hg19) VCF-style: chr16-3573280-T-C.
Other names: c.836T>C, p.Met279Thr (NM_001330454.2); c.338T>C, p.Met113Thr (NM_024793.3); short protein forms M113T, M279T.
Identifiers: ClinVar variation 1473368 (VCV001473368.6), dbSNP rs747678590, ClinGen allele CA7863853.

ClinVar aggregate classification (germline): Uncertain significance (1 of 4 stars; one submission).

Allele frequency attached by ClinVar (database versions not stated): gnomAD exomes 0.00001; ExAC 0.00002; gnomAD 0.00003; TOPMed 0.00004.
gnomAD v4.1: 6 of 1,612,860 alleles (0.00037%); highest among the groups gnomAD compares: African/African-American, 0.008%; no homozygotes.

Submission:

Labcorp Genetics (formerly Invitae), Labcorp
Classification: Uncertain significance. Last evaluated: 2025-06-12. Review status: criteria provided, single submitter. Criteria: Invitae Variant Classification Sherloc (09022015). Collection method: clinical testing. Allele origin: germline.
Comment: This sequence change replaces methionine, which is neutral and non-polar, with threonine, which is neutral and polar, at codon 279 of the CLUAP1 protein (p.Met279Thr). This variant is present in population databases (rs747678590, gnomAD 0.02%). This variant has not been reported in the literature in individuals affected with CLUAP1-related conditions. ClinVar contains an entry for this variant (Variation ID: 1473368). Invitae Evidence Modeling of protein sequence and biophysical properties (such as structural, functional, and spatial information, amino acid conservation, physicochemical variation, residue mobility, and thermodynamic stability) indicates that this missense variant is not expected to disrupt CLUAP1 protein function with a negative predictive value of 80%. In summary, the available evidence is currently insufficient to determine the role of this variant in disease. Therefore, it has been classified as a Variant of Uncertain Significance.